The following is an entry in ClinVar:

ClinVar aggregate classification (germline): Uncertain significance. Review status: criteria provided, multiple submitters, no conflicts (2 of 4 stars). 2 submissions from 2 submitters: Uncertain significance (2). Last evaluated 2022-08-15.

Conditions:
Inborn genetic diseases. Identifiers: MedGen C0950123, MeSH D030342.

Allele frequency attached by ClinVar (database versions not stated): gnomAD exomes below 0.00001.
gnomAD v4.1: 3 of 1,613,482 alleles (0.00019%); highest among the groups gnomAD compares: Non-Finnish European, 0.00025%; no homozygotes.

Submissions (2):

Labcorp Genetics (formerly Invitae), Labcorp
Classification: Uncertain significance. Last evaluated: 2022-08-15. Review status: criteria provided, single submitter. Criteria: Invitae Variant Classification Sherloc (09022015). Collection method: clinical testing. Allele origin: germline.
Comment: This sequence change replaces alanine, which is neutral and non-polar, with valine, which is neutral and non-polar, at codon 405 of the TIMM50 protein (p.Ala405Val). In summary, the available evidence is currently insufficient to determine the role of this variant in disease. Therefore, it has been classified as a Variant of Uncertain Significance. Algorithms developed to predict the effect of missense changes on protein structure and function are either unavailable or do not agree on the potential impact of this missense change (SIFT: "Not Available"; PolyPhen-2: "Possibly Damaging"; Align-GVGD: "Not Available"). This variant has not been reported in the literature in individuals affected with TIMM50-related conditions. This variant is present in population databases (no rsID available, gnomAD 0.0009%).

Ambry Genetics
Classification: Uncertain significance for Inborn genetic diseases. Last evaluated: 2022-03-16. Review status: criteria provided, single submitter. Criteria: Ambry Variant Classification Scheme 2023. Collection method: clinical testing. Allele origin: germline.

NM_001001563.5(TIMM50):c.905C>T (p.Ala302Val)

Gene: TIMM50 (translocase of inner mitochondrial membrane 50; plus strand). Cytogenetic location: 19q13.2.
Variant type: single nucleotide variant.
Coding change: c.905C>T on transcript NM_001001563.5 (MANE Select); coding-DNA position 905, C replaced by T.
Protein change: p.Ala302Val; replaces alanine 302 with valine.
Molecular consequence: missense variant.
Genome position (GRCh38, 1-based): chr19:39,488,590, C>T. VCF-style: chr19-39488590-C-T. GRCh37 (hg19) VCF-style: chr19-39979230-C-T.
Other names: c.566C>T, p.Ala189Val (NM_001329559.2); short protein forms A189V, A302V.
Identifiers: ClinVar variation 1979321 (VCV001979321.5), dbSNP rs10240, ClinGen allele CA405790295.